The following is an entry in ClinVar:

ClinVar aggregate classification (germline): Benign. Review status: criteria provided, multiple submitters, no conflicts (2 of 4 stars). 5 submissions from 5 submitters: Benign (5). Last evaluated 2026-02-04.

Conditions:
Weill-Marchesani 4 syndrome, recessive. Also called: Weill-Marchesani syndrome 4. Identifiers: Orphanet 363992, MedGen C2750787, MONDO:0013176, OMIM 613195.

Allele frequency attached by ClinVar (database versions not stated): 1000 Genomes Project 30x 0.00453; 1000 Genomes Project 0.00459; gnomAD exomes 0.00878 and 0.01145; gnomAD 0.00918 and 0.00994; ExAC 0.00944; ESP Exome Variant Server 0.00961; TOPMed 0.01000.
gnomAD v4.1: 18,077 of 1,614,154 alleles (1.1%); highest among the groups gnomAD compares: Non-Finnish European, 1.4%; 137 homozygotes.

Submissions (5):

Labcorp Genetics (formerly Invitae), Labcorp
Classification: Benign. Last evaluated: 2026-02-04. Review status: criteria provided, single submitter. Criteria: Invitae Variant Classification Sherloc (09022015). Collection method: clinical testing. Allele origin: germline.

CeGaT Center for Human Genetics Tuebingen
Classification: Benign. Last evaluated: 2026-01-01. Review status: criteria provided, single submitter. Criteria: CeGaT Center For Human Genetics Tuebingen Variant Classification Criteria Version 2. Collection method: clinical testing. Allele origin: germline. Affected: yes. Observed: 4 variant alleles.
Comment: ADAMTS17: BP4, BP7, BS1, BS2

Mayo Clinic Laboratories, Mayo Clinic
Classification: Benign. Last evaluated: 2023-04-13. Review status: criteria provided, single submitter. Criteria: ACMG Guidelines, 2015. Collection method: clinical testing. Allele origin: germline. Observed: 20 variant alleles.
Comment: BS1, BS2, BP4, BP7

Illumina Laboratory Services, Illumina
Classification: Benign for Weill-Marchesani 4 syndrome, recessive. Last evaluated: 2018-01-13. Review status: criteria provided, single submitter. Criteria: ICSL Variant Classification Criteria 13 December 2019. Collection method: clinical testing. Allele origin: germline.
Comment: This variant was observed in the ICSL laboratory as part of a predisposition screen in an ostensibly healthy population. It had not been previously curated by ICSL or reported in the Human Gene Mutation Database (HGMD: prior to June 1st, 2018), and was therefore a candidate for classification through an automated scoring system. Utilizing variant allele frequency, disease prevalence and penetrance estimates, and inheritance mode, an automated score was calculated to assess if this variant is too frequent to cause the disease. Based on the score and internal cut-off values, a variant classified as benign is not then subjected to further curation. The score for this variant resulted in a classification of benign for this disease.

Breakthrough Genomics
Classification: Benign. Review status: criteria provided, single submitter. Criteria: ACMG Guidelines, 2015. Collection method: not provided. Allele origin: germline. Inheritance: Autosomal recessive inheritance. Affected: yes.

NM_139057.4(ADAMTS17):c.1875C>T (p.Ala625=)

Gene: ADAMTS17 (ADAM metallopeptidase with thrombospondin type 1 motif 17; minus strand). Cytogenetic location: 15q26.3.
Variant type: single nucleotide variant.
Coding change: c.1875C>T on transcript NM_139057.4 (MANE Select); coding-DNA position 1875, C replaced by T.
Protein change: p.Ala625=; no amino-acid change (alanine 625 retained).
Molecular consequence: synonymous variant.
Genome position (GRCh38, 1-based): chr15:100,116,860, G>A on the plus strand (C>T on the coding strand, the complement: ADAMTS17 is on the minus strand). VCF-style: chr15-100116860-G-A. GRCh37 (hg19) VCF-style: chr15-100657065-G-A.
Other names: p.Ala625=.
Identifiers: ClinVar variation 315281 (VCV000315281.41), dbSNP rs34558152, ClinGen allele CA7758031.